The following is an entry in ClinVar:

NM_024577.4(SH3TC2):c.2555T>G (p.Val852Gly)

Gene: SH3TC2 (SH3 domain and tetratricopeptide repeats 2; minus strand). Cytogenetic location: 5q32.
Variant type: single nucleotide variant.
Coding change: c.2555T>G on transcript NM_024577.4 (MANE Select); coding-DNA position 2555, T replaced by G.
Protein change: p.Val852Gly; replaces valine 852 with glycine.
Molecular consequence: missense variant.
Genome position (GRCh38, 1-based): chr5:149,027,177, A>C on the plus strand (T>G on the coding strand, the complement: SH3TC2 is on the minus strand). VCF-style: chr5-149027177-A-C. GRCh37 (hg19) VCF-style: chr5-148406740-A-C.
Other names: short protein forms V852G.
Identifiers: ClinVar variation 2170672 (VCV002170672.4), dbSNP rs1196437514, ClinGen allele CA361666128.

ClinVar aggregate classification (germline): Uncertain significance (1 of 4 stars; one submission).

Conditions:
Charcot-Marie-Tooth disease type 4. Also called: Charcot-Marie-Tooth disease, type IV; Charcot-Marie-Tooth, Type 4. Identifiers: Orphanet 64749, MedGen C4082197, MONDO:0018995.

Allele frequency attached by ClinVar (database versions not stated): gnomAD exomes below 0.00001.
gnomAD v4.1: 1 of 1,614,100 alleles (0.000062%); highest among the groups gnomAD compares: East Asian, 0.0022%; no homozygotes.

Submission:

Labcorp Genetics (formerly Invitae), Labcorp
Classification: Uncertain significance for Charcot-Marie-Tooth disease type 4. Last evaluated: 2022-05-27. Review status: criteria provided, single submitter. Criteria: Invitae Variant Classification Sherloc (09022015). Collection method: clinical testing. Allele origin: germline.
Comment: In summary, the available evidence is currently insufficient to determine the role of this variant in disease. Therefore, it has been classified as a Variant of Uncertain Significance. Advanced modeling of protein sequence and biophysical properties (such as structural, functional, and spatial information, amino acid conservation, physicochemical variation, residue mobility, and thermodynamic stability) performed at Invitae indicates that this missense variant is not expected to disrupt SH3TC2 protein function. This sequence change replaces valine, which is neutral and non-polar, with glycine, which is neutral and non-polar, at codon 852 of the SH3TC2 protein (p.Val852Gly). This variant is present in population databases (no rsID available, gnomAD 0.006%). This variant has not been reported in the literature in individuals affected with SH3TC2-related conditions.